The following is an entry in ClinVar:

NM_032043.3(BRIP1):c.392A>G (p.Lys131Arg)

Gene: BRIP1 (BRCA1 interacting DNA helicase 1; minus strand). Cytogenetic location: 17q23.2.
Variant type: single nucleotide variant.
Coding change: c.392A>G on transcript NM_032043.3 (MANE Select); coding-DNA position 392, A replaced by G.
Protein change: p.Lys131Arg; replaces lysine 131 with arginine.
Molecular consequence: missense variant.
Genome position (GRCh38, 1-based): chr17:61,849,244, T>C on the plus strand (A>G on the coding strand, the complement: BRIP1 is on the minus strand). VCF-style: chr17-61849244-T-C. GRCh37 (hg19) VCF-style: chr17-59926605-T-C.
Other names: short protein forms K131R.
Identifiers: ClinVar variation 941999 (VCV000941999.12), dbSNP rs2078781626, ClinGen allele CA400484592.
Genomic context (GRCh38, chr17:61,849,244, plus strand): 5'-TTTTCATCTCTGTATATGGATGCCTGTTTCTTAGCAGATAACTTTGCAGCCAGAGTGGTT[T>C]TTTCAGGGGAGTCTTATATAAGTAATTTAAAAAAAACAGCATAAATAACTTACAGGTAGG-3'
Protein context (NP_114432.2, residues 121-141): TSSTCQDSPE[Lys131Arg]TTLAAKLSAK

ClinVar aggregate classification (germline): Uncertain significance. Review status: criteria provided, multiple submitters, no conflicts (2 of 4 stars). 3 submissions from 3 submitters: Uncertain significance (3). Last evaluated 2026-05-21.

Conditions:
Hereditary cancer-predisposing syndrome. Also called: Hereditary Cancer Syndrome; Neoplastic Syndromes, Hereditary; Tumor predisposition; Hereditary neoplastic syndrome. Identifiers: Orphanet 140162, MedGen C0027672, MeSH D009386, MONDO:0015356.
Familial cancer of breast. Also called: BREAST CANCER, FAMILIAL; Hereditary breast cancer; hereditary breast carcinoma. Identifiers: Orphanet 227535, MedGen C0346153, MONDO:0016419, OMIM 114480. Disease mechanism: loss of function.
Fanconi anemia complementation group J. Also called: BRIP1-Related Fanconi Anemia. Identifiers: Orphanet 84, MedGen C1836860, MONDO:0012187, OMIM 609054.

Submissions (3):

Ambry Genetics
Classification: Uncertain significance for Hereditary cancer-predisposing syndrome. Last evaluated: 2026-05-21. Review status: criteria provided, single submitter. Criteria: Ambry Variant Classification Scheme 2023. Collection method: clinical testing. Allele origin: germline.
Comment: The p.K131R variant (also known as c.392A>G), located in coding exon 4 of the BRIP1 gene, results from an A to G substitution at nucleotide position 392. The lysine at codon 131 is replaced by arginine, an amino acid with highly similar properties. This amino acid position is conserved. In addition, this alteration is predicted to be tolerated by in silico analysis. Based on the available evidence, the clinical significance of this variant remains unclear.

GeneDx
Classification: Uncertain significance. Last evaluated: 2025-03-31. Review status: criteria provided, single submitter. Criteria: GeneDx Variant Classification Process June 2021. Collection method: clinical testing. Allele origin: germline. Affected: yes.
Comment: Not observed at significant frequency in large population cohorts (gnomAD); In silico analysis indicates that this missense variant does not alter protein structure/function; Has not been previously published as pathogenic or benign to our knowledge

Labcorp Genetics (formerly Invitae), Labcorp
Classification: Uncertain significance for Familial cancer of breast; Fanconi anemia complementation group J. Last evaluated: 2019-08-28. Review status: criteria provided, single submitter. Criteria: Invitae Variant Classification Sherloc (09022015). Collection method: clinical testing. Allele origin: germline.
Comment: In summary, the available evidence is currently insufficient to determine the role of this variant in disease. Therefore, it has been classified as a Variant of Uncertain Significance. Algorithms developed to predict the effect of missense changes on protein structure and function output the following: SIFT: "Tolerated"; PolyPhen-2: "Benign"; Align-GVGD: "Class C0". The arginine amino acid residue is found in multiple mammalian species, suggesting that this missense change does not adversely affect protein function. These predictions have not been confirmed by published functional studies and their clinical significance is uncertain. This variant has not been reported in the literature in individuals with BRIP1-related conditions. This variant is not present in population databases (ExAC no frequency). This sequence change replaces lysine with arginine at codon 131 of the BRIP1 protein (p.Lys131Arg). The lysine residue is moderately conserved and there is a small physicochemical difference between lysine and arginine.